The following is an entry in ClinVar:

ClinVar aggregate classification (germline): Likely pathogenic. Review status: reviewed by expert panel (3 of 4 stars). 5 submissions from 5 submitters: Likely pathogenic (1). 4 of the submissions do not count toward it. Last evaluated 2023-11-14.

Conditions:
Histiocytic medullary reticulosis. Also called: SEVERE COMBINED IMMUNODEFICIENCY WITH HYPEREOSINOPHILIA; Omenn syndrome. Identifiers: Orphanet 39041, MedGen C2700553, MONDO:0011338, OMIM 603554.
Combined immunodeficiency with skin granulomas. Identifiers: Orphanet 157949, MedGen C2673536, MONDO:0009306, OMIM 233650.
Severe combined immunodeficiency, autosomal recessive, T cell-negative, B cell-negative, NK cell-positive. Also called: Severe combined immunodeficiency due to complete RAG1/2 deficiency; SCID, T CELL-NEGATIVE, B CELL-NEGATIVE, NK CELL-POSITIVE; SCID, AR, T-cell negative, B-cell negative, NK cell-positive. Identifiers: Orphanet 331206, MedGen C1832322, MONDO:0011086, OMIM 601457.
Recombinase activating gene 2 deficiency. Also called: RAG2 deficiency. Identifiers: MedGen CN257931, MONDO:0000573.
Inborn error of immunity. Also called: Inborn errors of immunity; Primary immunodeficiency. Identifiers: Orphanet 101997, MedGen C0398686, MONDO:0003778.

gnomAD v4.1: 4 of 1,614,148 alleles (0.00025%); highest among the groups gnomAD compares: Non-Finnish European, 0.00034%; no homozygotes.

Submissions (5):

ClinGen Severe Combined Immunodeficiency Variant Curation Expert Panel, ClinGen
Classification: Likely pathogenic for Recombinase activating gene 2 deficiency. Last evaluated: 2023-11-14. Review status: reviewed by expert panel. Criteria: ClinGen SCID ACMG Specifications RAG2 V1.0.0. Collection method: curation. Allele origin: germline. Inheritance: Autosomal recessive inheritance.
Comment: The c.1357T>A (NM_000536.4) variant in RAG2 is a missense variant predicted to cause substitution of Tryptophan by Arginine at amino acid 453 (p.Trp453Arg). This variant is absent from gnomAD v2.1.1 (PM2_Supporting). It resides within a region, [amino acids 414 – 487, PHD domain], of RAG2 that is defined as a mutational hotspot/critical functional domain by the ClinGen SCID VCEP (PMID: 26996199) (PM1_Moderate). The results found by Tirosh et al., show a mean recombination activity (% of WT hRAG2): 0.6, SEM 0.1., which is below the threshold described by our VCEP (<25% of wild-type activity), so PS3 is met at a moderate level of evidence (PS3_moderate). One patient is homozygous for this variant (0.5 pt, reported in PMID: 12200379 and PMID: 29772310). One patient is heterozygous for G95R (Reported in PMID: 29772310 and PMID: 10891502). Despite the LP level of the G95R, we already applied points for this heterozygous occurrence evaluating that variant, so we will not apply here to avoid circularity - according to SVI Recommendation for in trans Criterion (PM3) - Version 1.0. (PM3_supporting). At least one patient in the literature present: T-/lowB-/low lymphocyte subset profile (0.5 pt) + Diagnostic criteria for Omenn syndrome (0.5 pt), total 1.0 pt, PP4 met (PMID: 10891502). In summary, this variant meets the criteria to be classified as Likely Pathogenic for autosomal recessive SCID based on the ACMG/AMP criteria applied, PM1, PS3_moderate, PP4, PM2_supporting, and PM3_supporting, as specified by the ClinGen SCID VCEP (VCEP specifications version 1)

Natera, Inc.
Classification: Pathogenic for Omenn syndrome. Last evaluated: 2025-05-22. Review status: criteria provided, single submitter. Criteria: Natera Variant Classification Schema (03/2026). Collection method: clinical testing. Allele origin: germline. Not counted in ClinVar's aggregate classification.
Comment: The c.1357T>A variant in RAG2 is a missense variant predicted to cause substitution of tryptophan to arginine at amino acid 453. This variant is rare in the general population with a frequency below the threshold expected for the associated phenotype(s). This variant has been observed in one or more individuals affected with the associated recessive disease, as either homozygous or compound heterozygous with a second variant (PMID: 12200379, 10891502). Functional studies show that this variant may disrupt protein function (PMID: 15964836, 29772310). Another variant at this same site results in an alteration predicted to cause a similar molecular effect has been observed in individual(s) with the associated phenotype. Computational prediction algorithms indicate this variant is likely to affect gene or protein function. Given the available evidence, this variant is classified as Pathogenic.

Fulgent Genetics
Classification: Likely pathogenic for Combined immunodeficiency with skin granulomas; Severe combined immunodeficiency, autosomal recessive, T cell-negative, B cell-negative, NK cell-positive; Histiocytic medullary reticulosis. Last evaluated: 2024-03-26. Review status: criteria provided, single submitter. Criteria: ACMG Guidelines, 2015. Collection method: clinical testing. Allele origin: germline. Not counted in ClinVar's aggregate classification.

Labcorp Genetics (formerly Invitae), Labcorp
Classification: Pathogenic for Combined immunodeficiency with skin granulomas; Severe combined immunodeficiency, autosomal recessive, T cell-negative, B cell-negative, NK cell-positive. Last evaluated: 2023-09-27. Review status: criteria provided, single submitter. Criteria: Invitae Variant Classification Sherloc (09022015). Collection method: clinical testing. Allele origin: germline. Not counted in ClinVar's aggregate classification.
Comment: Experimental studies have shown that this missense change affects RAG2 function (PMID: 18033247, 20234091). Advanced modeling of protein sequence and biophysical properties (such as structural, functional, and spatial information, amino acid conservation, physicochemical variation, residue mobility, and thermodynamic stability) has been performed at Invitae for this missense variant, however the output from this modeling did not meet the statistical confidence thresholds required to predict the impact of this variant on RAG2 protein function. ClinVar contains an entry for this variant (Variation ID: 496630). This missense change has been observed in individual(s) with Omenn syndrome (PMID: 10891502, 12200379). This variant is not present in population databases (gnomAD no frequency). This sequence change replaces tryptophan, which is neutral and slightly polar, with arginine, which is basic and polar, at codon 453 of the RAG2 protein (p.Trp453Arg). For these reasons, this variant has been classified as Pathogenic.

Pediatric Immunology Service, The Chaim Sheba Medical Center at Tel HaShomer
Classification: Likely pathogenic for RAG2 deficiency; Primary immunodeficiency; Omenn syndrome. Last evaluated: 2018-03-06. Review status: criteria provided, single submitter. Criteria: ACMG Guidelines, 2015. Collection method: research. Allele origin: germline. Affected: yes. Not counted in ClinVar's aggregate classification.

Literature cited by the submitters: PubMed 12200379 (cited by 3 submitters); PubMed 10891502 (cited by 3 submitters); PubMed 15964836 (cited by Natera, Inc.); PubMed 29772310 (cited by Natera, Inc.); PubMed 18033247 (cited by Labcorp Genetics (formerly Invitae), Labcorp); PubMed 20234091 (cited by Labcorp Genetics (formerly Invitae), Labcorp).

NM_000536.4(RAG2):c.1357T>A (p.Trp453Arg)

Gene: RAG2 (recombination activating 2; minus strand). Cytogenetic location: 11p12.
Variant type: single nucleotide variant.
Coding change: c.1357T>A on transcript NM_000536.4 (MANE Select); coding-DNA position 1357, T replaced by A.
Protein change: p.Trp453Arg; replaces tryptophan 453 with arginine.
Molecular consequence: missense variant.
Genome position (GRCh38, 1-based): chr11:36,592,812, A>T on the plus strand (T>A on the coding strand, the complement: RAG2 is on the minus strand). VCF-style: chr11-36592812-A-T. GRCh37 (hg19) VCF-style: chr11-36614362-A-T.
Other names: NM_000536.4(RAG2):c.1357T>A; p.Trp453Arg; c.1357T>A, p.Trp453Arg (NM_001243785.2, NM_001243786.2); short protein forms W453R.
Identifiers: ClinVar variation 496630 (VCV000496630.14), dbSNP rs1564995627, ClinGen allele CA380140542.